The following is an entry in ClinVar:

NM_000440.3(PDE6A):c.1472T>A (p.Leu491Gln)

Gene: PDE6A (phosphodiesterase 6A; minus strand). Cytogenetic location: 5q32.
Variant type: single nucleotide variant.
Coding change: c.1472T>A on transcript NM_000440.3 (MANE Select); coding-DNA position 1472, T replaced by A.
Protein change: p.Leu491Gln; replaces leucine 491 with glutamine.
Molecular consequence: missense variant.
Genome position (GRCh38, 1-based): chr5:149,896,712, A>T on the plus strand (T>A on the coding strand, the complement: PDE6A is on the minus strand). VCF-style: chr5-149896712-A-T. GRCh37 (hg19) VCF-style: chr5-149276275-A-T.
Other names: short protein forms L491Q.
Identifiers: ClinVar variation 1010944 (VCV001010944.8), dbSNP rs1257912454, ClinGen allele CA361695873.

ClinVar aggregate classification (germline): Uncertain significance (1 of 4 stars; one submission).

Allele frequency attached by ClinVar (database versions not stated): gnomAD 0.00001.
gnomAD v4.1: 1 of 1,614,038 alleles (0.000062%); highest among the groups gnomAD compares: Non-Finnish European, 0.000085%; no homozygotes.

Submission:

Labcorp Genetics (formerly Invitae), Labcorp
Classification: Uncertain significance. Last evaluated: 2020-08-24. Review status: criteria provided, single submitter. Criteria: Invitae Variant Classification Sherloc (09022015). Collection method: clinical testing. Allele origin: germline.
Comment: In summary, the available evidence is currently insufficient to determine the role of this variant in disease. Therefore, it has been classified as a Variant of Uncertain Significance. Algorithms developed to predict the effect of missense changes on protein structure and function are either unavailable or do not agree on the potential impact of this missense change (SIFT: "Deleterious"; PolyPhen-2: "Possibly Damaging"; Align-GVGD: "Class C0"). This variant has not been reported in the literature in individuals with PDE6A-related conditions. This variant is not present in population databases (ExAC no frequency). This sequence change replaces leucine with glutamine at codon 491 of the PDE6A protein (p.Leu491Gln). The leucine residue is highly conserved and there is a moderate physicochemical difference between leucine and glutamine.